The following is an entry in ClinVar:

ClinVar aggregate classification (germline): Uncertain significance (1 of 4 stars; one submission).

Allele frequency attached by ClinVar (database versions not stated): gnomAD exomes below 0.00001; TOPMed below 0.00001; gnomAD 0.00001.
gnomAD v4.1: 4 of 1,613,262 alleles (0.00025%); highest among the groups gnomAD compares: Non-Finnish European, 0.00025%; no homozygotes.

Submission:

GeneDx
Classification: Uncertain significance. Last evaluated: 2023-04-08. Review status: criteria provided, single submitter. Criteria: GeneDx Variant Classification Process June 2021. Collection method: clinical testing. Allele origin: germline. Affected: yes.
Comment: In silico analysis supports that this missense variant does not alter protein structure/function; Has not been previously published as pathogenic or benign to our knowledge

NM_058004.4(PI4KA):c.221G>A (p.Arg74Gln)

Gene: PI4KA (phosphatidylinositol 4-kinase alpha; minus strand). Cytogenetic location: 22q11.21.
Variant type: single nucleotide variant.
Coding change: c.221G>A on transcript NM_058004.4 (MANE Select); coding-DNA position 221, G replaced by A.
Protein change: p.Arg74Gln; replaces arginine 74 with glutamine.
Molecular consequence: missense variant.
Genome position (GRCh38, 1-based): chr22:20,838,667, C>T on the plus strand (G>A on the coding strand, the complement: PI4KA is on the minus strand). VCF-style: chr22-20838667-C-T. GRCh37 (hg19) VCF-style: chr22-21192955-C-T.
Other names: c.221G>A, p.Arg74Gln (NM_001362862.2, NM_001362863.2); short protein forms R74Q.
Identifiers: ClinVar variation 2662781 (VCV002662781.1), dbSNP rs1455572068, ClinGen allele CA410767786.